The following is an entry in ClinVar:

NM_001367624.2(ZNF469):c.1534G>A (p.Glu512Lys)

Gene: ZNF469 (zinc finger protein 469; plus strand). Cytogenetic location: 16q24.2.
Variant type: single nucleotide variant.
Coding change: c.1534G>A on transcript NM_001367624.2 (MANE Select); coding-DNA position 1534, G replaced by A.
Protein change: p.Glu512Lys; replaces glutamic acid 512 with lysine.
Molecular consequence: missense variant.
Genome position (GRCh38, 1-based): chr16:88,429,004, G>A. VCF-style: chr16-88429004-G-A. GRCh37 (hg19) VCF-style: chr16-88495412-G-A.
Other names: NM_001127464.1:c.1534G>A; NM_001127464.2:c.1534G>A; short protein forms E512K.
Identifiers: ClinVar variation 1696193 (VCV001696193.5), dbSNP rs953454298, ClinGen allele CA286372873.

ClinVar aggregate classification (germline): Uncertain significance. Review status: criteria provided, multiple submitters, no conflicts (2 of 4 stars). 4 submissions from 4 submitters: Uncertain significance (4). Last evaluated 2025-10-15.

Conditions:
ZNF469-related disorder. Also called: ZNF469-related condition.
Cardiovascular phenotype. Identifiers: MedGen CN230736.

gnomAD v4.1: 8 of 1,549,534 alleles (0.00052%); highest among the groups gnomAD compares: Admixed American, 0.0078%; no homozygotes.

Submissions (4):

PreventionGenetics, part of Exact Sciences
Classification: Uncertain significance for ZNF469-related condition. Last evaluated: 2025-10-15. Review status: criteria provided, single submitter. Criteria: ACMG Guidelines, 2015. Collection method: clinical testing. Allele origin: germline.
Comment: The ZNF469 c.1534G>A variant is predicted to result in the amino acid substitution p.Glu512Lys. To our knowledge, this variant has not been reported in the literature. This variant is reported in 0.016% of alleles in individuals of Latino descent in gnomAD. At this time, the clinical significance of this variant is uncertain due to the absence of conclusive functional and genetic evidence.

GeneDx
Classification: Uncertain significance. Last evaluated: 2024-06-26. Review status: criteria provided, single submitter. Criteria: GeneDx Variant Classification Process June 2021. Collection method: clinical testing. Allele origin: germline. Affected: yes.
Comment: In silico analysis indicates that this missense variant does not alter protein structure/function; Has not been previously published as pathogenic or benign to our knowledge

Ambry Genetics
Classification: Uncertain significance for Cardiovascular phenotype. Last evaluated: 2024-05-02. Review status: criteria provided, single submitter. Criteria: Ambry Variant Classification Scheme 2023. Collection method: clinical testing. Allele origin: germline.
Comment: The p.E512K variant (also known as c.1534G>A), located in coding exon 1 of the ZNF469 gene, results from a G to A substitution at nucleotide position 1534. The glutamic acid at codon 512 is replaced by lysine, an amino acid with similar properties. This amino acid position is conserved. In addition, this alteration is predicted to be tolerated by in silico analysis. Based on the available evidence, the clinical significance of this variant remains unclear.

Women's Health and Genetics/Laboratory Corporation of America, LabCorp
Classification: Uncertain significance. Last evaluated: 2022-05-03. Review status: criteria provided, single submitter. Criteria: LabCorp Variant Classification Summary - May 2015. Collection method: clinical testing. Allele origin: germline.